The following is an entry in ClinVar:

ClinVar aggregate classification (germline): Uncertain significance (1 of 4 stars; one submission).

Conditions:
INSR-related disorder.

Submission:

PreventionGenetics, part of Exact Sciences
Classification: Uncertain significance for INSR-related condition. Last evaluated: 2025-12-10. Review status: criteria provided, single submitter. Criteria: ACMG Guidelines, 2015. Collection method: clinical testing. Allele origin: germline.
Comment: The INSR c.2273C>T variant is predicted to result in the amino acid substitution p.Ser758Phe. To our knowledge, this variant has not been reported in the literature or in a large population database (gnomAD), indicating this variant is rare. At this time, the clinical significance of this variant is uncertain due to the absence of conclusive functional and genetic evidence.

NM_000208.4(INSR):c.2273C>T (p.Ser758Phe)

Gene: INSR (insulin receptor; minus strand). Cytogenetic location: 19p13.2.
Variant type: single nucleotide variant.
Coding change: c.2273C>T on transcript NM_000208.4 (MANE Select); coding-DNA position 2273, C replaced by T.
Protein change: p.Ser758Phe; replaces serine 758 with phenylalanine.
Molecular consequence: missense variant.
Genome position (GRCh38, 1-based): chr19:7,143,085, G>A on the plus strand (C>T on the coding strand, the complement: INSR is on the minus strand). VCF-style: chr19-7143085-G-A. GRCh37 (hg19) VCF-style: chr19-7143096-G-A.
Other names: c.2237C>T, p.Ser746Phe (NM_001079817.3); short protein forms S758F, S746F.
Identifiers: ClinVar variation 4985134 (VCV004985134.1).
Genomic context (GRCh38, chr19:7,143,085, plus strand): 5'-GCCACCGTGGGCACGGCCACCGTCACATTCCCAACATCGCCAAGGGACCTGCGTTTCCGA[G>A]ATGGCCTGGAACGACAGTAGGACATGTATGATGACACCATCACCATCATTTTTTTTAAAA-3'
Protein context (NP_000199.2, residues 748-768): SGTGAEDPRP[Ser758Phe]RKRRSLGDVG